The following is an entry in ClinVar:

NM_006073.4(TRDN):c.1472-5C>T

Gene: TRDN (triadin; minus strand). Cytogenetic location: 6q22.31.
Variant type: single nucleotide variant.
Coding change: c.1472-5C>T on transcript NM_006073.4 (MANE Select); 5 bases into the intron before coding-DNA position 1472, C replaced by T.
Molecular consequence: intron variant.
Genome position (GRCh38, 1-based): chr6:123,316,500, G>A on the plus strand (C>T on the coding strand, the complement: TRDN is on the minus strand). VCF-style: chr6-123316500-G-A. GRCh37 (hg19) VCF-style: chr6-123637645-G-A.
Identifiers: ClinVar variation 1092876 (VCV001092876.12), dbSNP rs2114699560, ClinGen allele CA2499218052.

ClinVar aggregate classification (germline): Conflicting classifications of pathogenicity. Review status: criteria provided, conflicting classifications (1 of 4 stars). 2 submissions from 2 submitters: Uncertain significance (1); Likely benign (1). Last evaluated 2024-11-24.

Conditions:
Cardiovascular phenotype. Identifiers: MedGen CN230736.
Catecholaminergic polymorphic ventricular tachycardia 1. Also called: VENTRICULAR TACHYCARDIA, CATECHOLAMINERGIC POLYMORPHIC, 1, WITH OR WITHOUT ATRIAL DYSFUNCTION AND/OR DILATED CARDIOMYOPATHY; RYR2-Related Catecholaminergic Polymorphic Ventricular Tachycardia; VENTRICULAR TACHYCARDIA, STRESS-INDUCED POLYMORPHIC 1. Identifiers: Orphanet 3286, MedGen C1631597, MONDO:0011484, OMIM 604772.

Allele frequency attached by ClinVar (database versions not stated): gnomAD exomes below 0.00001.
gnomAD v4.1: 2 of 1,609,524 alleles (0.00012%); highest among the groups gnomAD compares: Non-Finnish European, 0.00017%; no homozygotes.

Submissions (2):

Labcorp Genetics (formerly Invitae), Labcorp
Classification: Likely benign for Catecholaminergic polymorphic ventricular tachycardia 1. Last evaluated: 2024-11-24. Review status: criteria provided, single submitter. Criteria: Invitae Variant Classification Sherloc (09022015). Collection method: clinical testing. Allele origin: germline.

Ambry Genetics
Classification: Uncertain significance for Cardiovascular phenotype. Last evaluated: 2021-01-21. Review status: criteria provided, single submitter. Criteria: Ambry Variant Classification Scheme 2023. Collection method: clinical testing. Allele origin: germline.
Comment: The c.1472-5C>T intronic variant results from a C to T substitution 5 nucleotides upstream from coding exon 24 in the TRDN gene. This nucleotide position is not well conserved in available vertebrate species. In silico splice site analysis predicts that this alteration will not have any significant effect on splicing. Since supporting evidence is limited at this time, the clinical significance of this alteration remains unclear.